The following is an entry in ClinVar:

NM_001813.3(CENPE):c.80C>T (p.Ala27Val)

Gene: CENPE (centromere protein E; minus strand). Cytogenetic location: 4q24.
Variant type: single nucleotide variant.
Coding change: c.80C>T on transcript NM_001813.3 (MANE Select); coding-DNA position 80, C replaced by T.
Protein change: p.Ala27Val; replaces alanine 27 with valine.
Molecular consequence: missense variant.
Genome position (GRCh38, 1-based): chr4:103,196,827, G>A on the plus strand (C>T on the coding strand, the complement: CENPE is on the minus strand). VCF-style: chr4-103196827-G-A. GRCh37 (hg19) VCF-style: chr4-104117984-G-A.
Other names: NM_001813.3:c.80C>T; c.80C>T, p.Ala27Val (NM_001286734.2); c.80C>T (NM_001813.2); short protein forms A27V.
Identifiers: ClinVar variation 1679844 (VCV001679844.2), dbSNP rs533108216, ClinGen allele CA3030856.
Genomic context (GRCh38, chr4:103,196,827, plus strand): 5'-AAGGATTTACTTCCATCAACTTGATAAATGACATTATTGTCAGTTTTCCAGTAAACTTGG[G>A]CAGTTTCTCCAAGTGATTCTTCTCTAAAAGAATAAAAACACCGCATTTTAACCAGTCATA-3'
Protein context (NP_001804.2, residues 17-37): NSREESLGET[Ala27Val]QVYWKTDNNV

ClinVar aggregate classification (germline): Conflicting classifications of pathogenicity. Review status: criteria provided, conflicting classifications (1 of 4 stars). 2 submissions from 2 submitters: Uncertain significance (1); Likely benign (1). Last evaluated 2024-12-09.

Conditions:
CENPE-related disorder. Also called: CENPE-related condition.
Microcephaly 13, primary, autosomal recessive. Identifiers: Orphanet 808, MedGen C4015080, MONDO:0014473, OMIM 616051.

Allele frequency attached by ClinVar (database versions not stated): TOPMed 0.00002; gnomAD 0.00009; gnomAD exomes 0.00012 and 0.00021; ExAC 0.00024; 1000 Genomes Project 30x 0.00031; 1000 Genomes Project 0.00040.
gnomAD v4.1: 175 of 1,584,882 alleles (0.011%); highest among the groups gnomAD compares: South Asian, 0.19%; 3 homozygotes.

Submissions (2):

PreventionGenetics, part of Exact Sciences
Classification: Likely benign for CENPE-related condition. Last evaluated: 2024-12-09. Review status: criteria provided, single submitter. Criteria: ACMG Guidelines, 2015. Collection method: clinical testing. Allele origin: germline.
Comment: This variant is classified as likely benign based on ACMG/AMP sequence variant interpretation guidelines (Richards et al. 2015 PMID: 25741868, with internal and published modifications).

Broad Center for Mendelian Genomics, Broad Institute of MIT and Harvard
Classification: Uncertain significance for Microcephaly 13, primary, autosomal recessive. Last evaluated: 2022-05-04. Review status: criteria provided, single submitter. Criteria: ACMG Guidelines, 2015. Collection method: curation. Allele origin: germline. Inheritance: Autosomal recessive inheritance.
Comment: The variant has not been previously reported in individuals with primary microcephaly 13 but has been identified in 0.2% (51/29082) of South Asian chromosomes by the Genome Aggregation Database (gnomAD; dbSNP ID: rs533108216). Although this variant has been seen in the general population, its frequency is not high enough to rule out a pathogenic role. Computational prediction tools, including splice predictors, and conservation analyses suggest that this variant may not impact the protein, though this information is not predictive enough to rule out pathogenicity. In summary, the clinical significance of the p.Ala27Val variant is uncertain. ACMG/AMP Criteria applied: BP4, PM3 (Richards 2015).